The following is an entry in ClinVar:

ClinVar aggregate classification (germline): Uncertain significance. Review status: criteria provided, multiple submitters, no conflicts (2 of 4 stars). 3 submissions from 3 submitters: Uncertain significance (3). Last evaluated 2025-03-30.

Conditions:
Inborn genetic diseases. Identifiers: MedGen C0950123, MeSH D030342.
Stüve-Wiedemann syndrome 1. Also called: STUVE-WIEDEMANN/SCHWARTZ-JAMPEL TYPE 2 SYNDROME. Identifiers: Orphanet 3206, MedGen C5676888, MONDO:0800043, OMIM 601559.

Allele frequency attached by ClinVar (database versions not stated): gnomAD 0.00003; TOPMed 0.00004.
gnomAD v4.1: 33 of 1,612,284 alleles (0.002%); highest among the groups gnomAD compares: East Asian, 0.049%; no homozygotes.

Submissions (3):

Labcorp Genetics (formerly Invitae), Labcorp
Classification: Uncertain significance. Last evaluated: 2025-03-30. Review status: criteria provided, single submitter. Criteria: Invitae Variant Classification Sherloc (09022015). Collection method: clinical testing. Allele origin: germline.
Comment: This sequence change replaces isoleucine, which is neutral and non-polar, with threonine, which is neutral and polar, at codon 509 of the LIFR protein (p.Ile509Thr). This variant is present in population databases (rs535400576, gnomAD 0.1%). This variant has not been reported in the literature in individuals affected with LIFR-related conditions. ClinVar contains an entry for this variant (Variation ID: 2230078). An algorithm developed to predict the effect of missense changes on protein structure and function (PolyPhen-2) suggests that this variant is likely to be disruptive. In summary, the available evidence is currently insufficient to determine the role of this variant in disease. Therefore, it has been classified as a Variant of Uncertain Significance.

Fulgent Genetics
Classification: Uncertain significance for Stüve-Wiedemann syndrome 1. Last evaluated: 2024-03-21. Review status: criteria provided, single submitter. Criteria: ACMG Guidelines, 2015. Collection method: clinical testing. Allele origin: germline.

Ambry Genetics
Classification: Uncertain significance for Inborn genetic diseases. Last evaluated: 2021-10-06. Review status: criteria provided, single submitter. Criteria: Ambry Variant Classification Scheme 2023. Collection method: clinical testing. Allele origin: germline.

NM_001127671.2(LIFR):c.1526T>C (p.Ile509Thr)

Gene: LIFR (LIF receptor subunit alpha; minus strand). Cytogenetic location: 5p13.1.
Variant type: single nucleotide variant.
Coding change: c.1526T>C on transcript NM_001127671.2 (MANE Select); coding-DNA position 1526, T replaced by C.
Protein change: p.Ile509Thr; replaces isoleucine 509 with threonine.
Molecular consequence: missense variant.
Genome position (GRCh38, 1-based): chr5:38,502,711, A>G on the plus strand (T>C on the coding strand, the complement: LIFR is on the minus strand). VCF-style: chr5-38502711-A-G. GRCh37 (hg19) VCF-style: chr5-38502813-A-G.
Other names: c.1526T>C, p.Ile509Thr (NM_001364297.2, NM_001364298.2, NM_002310.6); short protein forms I509T.
Identifiers: ClinVar variation 2230078 (VCV002230078.4), dbSNP rs535400576, ClinGen allele CA3242915.